The following is an entry in ClinVar:

ClinVar aggregate classification (germline): Uncertain significance. Review status: criteria provided, multiple submitters, no conflicts (2 of 4 stars). 2 submissions from 2 submitters: Uncertain significance (2). Last evaluated 2024-03-10.

Conditions:
Hereditary cancer-predisposing syndrome. Also called: Neoplastic Syndromes, Hereditary; Tumor predisposition; Hereditary neoplastic syndrome; Hereditary Cancer Syndrome. Identifiers: Orphanet 140162, MedGen C0027672, MeSH D009386, MONDO:0015356.

Allele frequency attached by ClinVar (database versions not stated): gnomAD exomes below 0.00001; gnomAD 0.00001; 1000 Genomes Project 30x 0.00031.
gnomAD v4.1: 3 of 1,614,188 alleles (0.00019%); highest among the groups gnomAD compares: South Asian, 0.0033%; no homozygotes.

Submissions (2):

Color Diagnostics, LLC DBA Color Health
Classification: Uncertain significance for Hereditary cancer-predisposing syndrome. Last evaluated: 2024-03-10. Review status: criteria provided, single submitter. Criteria: ACMG Guidelines, 2015. Collection method: clinical testing. Allele origin: germline.
Comment: This missense variant replaces alanine with glycine at codon 890 of the PALB2 protein. Computational prediction suggests that this variant may not impact protein structure and function (internally defined REVEL score threshold <= 0.5, PMID: 27666373). To our knowledge, functional studies have not been reported for this variant. This variant has not been reported in individuals affected with PALB2-related disorders in the literature. This variant has not been identified in the general population by the Genome Aggregation Database (gnomAD). The available evidence is insufficient to determine the role of this variant in disease conclusively. Therefore, this variant is classified as a Variant of Uncertain Significance.

Ambry Genetics
Classification: Uncertain significance for Hereditary cancer-predisposing syndrome. Last evaluated: 2023-12-14. Review status: criteria provided, single submitter. Criteria: Ambry Variant Classification Scheme 2023. Collection method: clinical testing. Allele origin: germline.
Comment: The p.A890G variant (also known as c.2669C>G), located in coding exon 7 of the PALB2 gene, results from a C to G substitution at nucleotide position 2669. The alanine at codon 890 is replaced by glycine, an amino acid with similar properties. This amino acid position is highly conserved in available vertebrate species. In addition, this alteration is predicted to be tolerated by in silico analysis. Since supporting evidence is limited at this time, the clinical significance of this alteration remains unclear.

NM_024675.4(PALB2):c.2669C>G (p.Ala890Gly)

Gene: PALB2 (partner and localizer of BRCA2; minus strand). Cytogenetic location: 16p12.2.
Variant type: single nucleotide variant.
Coding change: c.2669C>G on transcript NM_024675.4 (MANE Select); coding-DNA position 2669, C replaced by G.
Protein change: p.Ala890Gly; replaces alanine 890 with glycine.
Molecular consequence: missense variant. On other transcripts: intron variant (3).
Genome position (GRCh38, 1-based): chr16:23,626,315, G>C on the plus strand (C>G on the coding strand, the complement: PALB2 is on the minus strand). VCF-style: chr16-23626315-G-C. GRCh37 (hg19) VCF-style: chr16-23637636-G-C.
Other names: c.2609C>G, p.Ala870Gly (NM_001407296.1); c.2597C>G, p.Ala866Gly (NM_001407297.1); c.2669C>G, p.Ala890Gly (NM_001407299.1, NM_001407300.1, NM_001407301.1); c.1784C>G, p.Ala595Gly (NM_001407304.1, NM_001407305.1, NM_001407306.1 and 4 more transcripts); c.881C>G, p.Ala294Gly (NM_001407312.1, NM_001407313.1); c.203C>G, p.Ala68Gly (NM_001407314.1); c.2587-2221C>G (NM_001407302.1, NM_001407298.1); c.1702-2221C>G (NM_001407307.1); short protein forms A294G, A595G, A68G, A866G, A870G, A890G.
Identifiers: ClinVar variation 3228017 (VCV003228017.2), dbSNP rs1966842597, ClinGen allele CA395122056.